The following is an entry in ClinVar:

NM_001375524.1(TRRAP):c.449A>T (p.Glu150Val)

Gene: TRRAP (transformation/transcription domain associated protein; plus strand). Cytogenetic location: 7q22.1.
Variant type: single nucleotide variant.
Coding change: c.449A>T on transcript NM_001375524.1 (MANE Select); coding-DNA position 449, A replaced by T.
Protein change: p.Glu150Val; replaces glutamic acid 150 with valine.
Molecular consequence: missense variant.
Genome position (GRCh38, 1-based): chr7:98,893,880, A>T. VCF-style: chr7-98893880-A-T. GRCh37 (hg19) VCF-style: chr7-98491503-A-T.
Other names: c.449A>T, p.Glu150Val (NM_001244580.2, NM_003496.4); short protein forms E150V.
Identifiers: ClinVar variation 4540331 (VCV004540331.1).

ClinVar aggregate classification (germline): Uncertain significance (1 of 4 stars; one submission).

Submission:

GeneDx
Classification: Uncertain significance. Last evaluated: 2025-06-25. Review status: criteria provided, single submitter. Criteria: GeneDx Variant Classification Process June 2021. Collection method: clinical testing. Allele origin: germline. Affected: yes.
Comment: Not observed at significant frequency in large population cohorts (gnomAD); In silico analysis supports that this missense variant has a deleterious effect on protein structure/function; Has not been previously published as pathogenic or benign to our knowledge